The following is an entry in ClinVar:

NM_001267550.2(TTN):c.76383_76386del (p.Asn25462fs)

Genes: TTN-AS1 (TTN antisense RNA 1; plus strand), TTN (titin; minus strand). Cytogenetic location: 2q31.2.
Variant type: Deletion.
Coding change: c.76383_76386del on transcript NM_001267550.2 (MANE Select); coding-DNA positions 76383 to 76386, 4 bases deleted (TAAT; older notation c.76383_76386delTAAT).
Protein change: p.Asn25462fs; shifts the reading frame from asparagine 25462.
Molecular consequence: frameshift variant.
Genome position (GRCh38, 1-based): chr2:178,569,746-178,569,749, ATTA deleted on the plus strand (TAAT on the coding strand, the reverse complement: TTN is on the minus strand); deleting any 4 consecutive bases within chr2:178,569,746-178,569,752 gives the same sequence; the c. name uses the placement nearest the transcript's 3' end. VCF-style (leftmost placement, unchanged base first): chr2-178569745-TATTA-T. GRCh37 (hg19) VCF-style: chr2-179434472-TATTA-T.
Other names: c.71460_71463del, p.Asn23821fs (NM_001256850.1); c.49188_49191del, p.Asn16397fs (NM_003319.4); c.68679_68682del, p.Asn22894fs (NM_133378.4); c.49563_49566del, p.Asn16522fs (NM_133432.3); c.49764_49767del, p.Asn16589fs (NM_133437.4); c.76383_76386delTAAT (LRG_391t1); c.49188_49191delTAAT (NM_003319.4); short protein forms N16397fs, N16522fs, N16589fs, N23821fs, N25462fs, N22894fs.
Identifiers: ClinVar variation 223320 (VCV000223320.4), dbSNP rs869312078, ClinGen allele CA353327.

ClinVar aggregate classification (germline): Likely pathogenic. Review status: criteria provided, multiple submitters, no conflicts (2 of 4 stars). 3 submissions from 3 submitters: Likely pathogenic (3). Last evaluated 2025-12-10.

Conditions:
Cardiovascular phenotype. Identifiers: MedGen CN230736.
Dilated cardiomyopathy 1G (CMD1G). Identifiers: Orphanet 154, MedGen C1858763, MONDO:0011400, OMIM 604145.
Autosomal recessive limb-girdle muscular dystrophy type 2J (LGMDR10). Also called: Limb-girdle muscular dystrophy, type 2J; MUSCULAR DYSTROPHY, LIMB-GIRDLE, AUTOSOMAL RECESSIVE 10. Identifiers: Orphanet 140922, MedGen C1837342, MONDO:0012127, OMIM 608807.
Primary dilated cardiomyopathy (DCM). Also called: Dilated Cardiomyopathy. Identifiers: Orphanet 217604, MedGen C0007193, MeSH D002311, MONDO:0005021, HP:0001644. Inheritance: Various modes of inheritance.

Submissions (3):

Labcorp Genetics (formerly Invitae), Labcorp
Classification: Likely pathogenic for Dilated cardiomyopathy 1G; Autosomal recessive limb-girdle muscular dystrophy type 2J. Last evaluated: 2025-12-10. Review status: criteria provided, single submitter. Criteria: Invitae Variant Classification Sherloc (09022015). Collection method: clinical testing. Allele origin: germline.
Comment: While this is not anticipated to result in nonsense mediated decay, it is expected to create a truncated TTN protein. While this is not anticipated to result in nonsense mediated decay, it is expected to disrupt the last 10530 amino acid(s) of the TTN protein. This variant is not present in population databases (gnomAD no frequency). This premature translational stop signal has been observed in individual(s) with dilated cardiomyopathy (PMID: 25589632). ClinVar contains an entry for this variant (Variation ID: 223320). This variant is located in the A band of TTN (PMID: 25589632). Truncating variants in this region are significantly overrepresented in patients affected with dilated cardiomyopathy (PMID: 25589632). Truncating variants in this region have also been reported in individuals affected with autosomal recessive centronuclear myopathy (PMID: 23975875). In summary, the currently available evidence indicates that the variant is pathogenic, but additional data are needed to prove that conclusively. Therefore, this variant has been classified as Likely Pathogenic.

Ambry Genetics
Classification: Likely pathogenic for Cardiovascular phenotype. Last evaluated: 2023-08-22. Review status: criteria provided, single submitter. Criteria: Ambry Variant Classification Scheme 2023. Collection method: clinical testing. Allele origin: germline.
Comment: The c.49188_49191delTAAT variant, located in coding exon 153 of the TTN gene, results from a deletion of 4 nucleotides at nucleotide positions 49188 to 49191, causing a translational frameshift with a predicted alternate stop codon (p.N16397Kfs*4). This exon is located in the A-band region of the N2-B isoform of the titin protein and is constitutively expressed in TTN transcripts (percent spliced in or PSI 100%). This variant (referred to as NM_001267550:c.76383_76386delTAAT p.Asn25462fs) has been detected in an individual from a dilated cardiomyopathy (DCM) cohort. (Roberts AM et al. Sci Transl Med, 2015 Jan;7:270ra6). This variant is considered to be rare based on population cohorts in the Genome Aggregation Database (gnomAD). This alteration is expected to result in loss of function by premature protein truncation or nonsense-mediated mRNA decay. While truncating variants in TTN are present in 1-3% of the general population, truncating variants in the A-band are the most common cause of DCM (Herman DS et al. N. Engl. J. Med., 2012 Feb;366:619-28; Roberts AM et al. Sci Transl Med, 2015 Jan;7:270ra6). TTN truncating variants encoded in constitutive exons (PSI >90%) have been found to be significantly associated with DCM regardless of their position in titin (Schafer S et al. Nat. Genet., 2017 01;49:46-53). Based on the majority of available evidence to date, this variant is likely to be pathogenic.

Cardiovascular Biomedical Research Unit, Royal Brompton & Harefield NHS Foundation Trust
Classification: Likely pathogenic for Primary dilated cardiomyopathy. Last evaluated: 2014-10-08. Review status: criteria provided, single submitter. Criteria: Roberts et al. 2015. Collection method: research. Allele origin: germline. Inheritance: Autosomal dominant inheritance. Affected: yes. Observed: 1 variant allele. Study: Endstage DCM.
Comment: In the seven cohorts assessed, TTNtv were found in 14% of ambulant DCM, 22% end-stage or familial DCM, and 2% controls. Heterozygous nonsense, frameshift and canonical splice-disrupting variants found in constitutive and other highly utilised exons are highly likely to be pathogenic when identified in individuals with phenotypically confirmed DCM. TTNtv found incidentally in healthy individuals (excluding familial assessment of DCM relatives) are thought to have low penetrance, particularly when identified in exons that are not constitutively expressed in the heart.

Literature cited by the submitters: PubMed 25589632 (cited by Labcorp Genetics (formerly Invitae), Labcorp and Ambry Genetics); PubMed 23975875 (cited by Labcorp Genetics (formerly Invitae), Labcorp).